The following is an entry in ClinVar:

NM_173689.7(CRB2):c.3243C>T (p.Ala1081=)

Gene: CRB2 (crumbs cell polarity complex component 2; plus strand). Cytogenetic location: 9q33.3.
Variant type: single nucleotide variant.
Coding change: c.3243C>T on transcript NM_173689.7 (MANE Select); coding-DNA position 3243, C replaced by T.
Protein change: p.Ala1081=; no amino-acid change (alanine 1081 retained).
Molecular consequence: synonymous variant. On other transcripts: non-coding transcript variant (1).
Genome position (GRCh38, 1-based): chr9:123,373,774, C>T. VCF-style: chr9-123373774-C-T. GRCh37 (hg19) VCF-style: chr9-126136053-C-T.
Identifiers: ClinVar variation 3054445 (VCV003054445.2), dbSNP rs2550688999, ClinGen allele CA467206733.

ClinVar aggregate classification (germline): Likely benign (0 of 4 stars; one submission).

Conditions:
CRB2-related disorder. Also called: CRB2-related disorders; CRB2-related condition.

Submission:

PreventionGenetics, part of Exact Sciences
Classification: Likely benign for CRB2-related condition. Last evaluated: 2023-08-24. Review status: no assertion criteria provided. Collection method: clinical testing. Allele origin: germline.
Comment: This variant is classified as likely benign based on ACMG/AMP sequence variant interpretation guidelines (Richards et al. 2015 PMID: 25741868, with internal and published modifications).